The following is an entry in ClinVar:

ClinVar aggregate classification (germline): Benign (1 of 4 stars; one submission).

Conditions:
POLRMT-related disorder. Also called: POLRMT-related condition.

gnomAD v4.1: 786,995 of 1,585,774 alleles (50%); highest among the groups gnomAD compares: South Asian, 74%; 201,846 homozygotes.

Submission:

PreventionGenetics, part of Exact Sciences
Classification: Benign for POLRMT-related condition. Last evaluated: 2026-01-20. Review status: criteria provided, single submitter. Criteria: ACMG Guidelines, 2015. Collection method: clinical testing. Allele origin: germline.
Comment: This variant is classified as benign based on ACMG/AMP sequence variant interpretation guidelines (Richards et al. 2015 PMID: 25741868, with internal and published modifications).

NM_005035.4(POLRMT):c.1986T>C (p.Ala662=)

Gene: POLRMT (RNA polymerase mitochondrial; minus strand). Cytogenetic location: 19p13.3.
Variant type: single nucleotide variant.
Coding change: c.1986T>C on transcript NM_005035.4 (MANE Select); coding-DNA position 1986, T replaced by C.
Protein change: p.Ala662=; no amino-acid change (alanine 662 retained).
Molecular consequence: synonymous variant. On other transcripts: non-coding transcript variant (1).
Genome position (GRCh38, 1-based): chr19:621,712, A>G on the plus strand (T>C on the coding strand, the complement: POLRMT is on the minus strand). VCF-style: chr19-621712-A-G. GRCh37 (hg19) VCF-style: chr19-621712-A-G.
Other names: c.1986T>C, p.Ala662= (NM_001407805.1, NM_001407808.1, NM_001407812.1 and 4 more transcripts); c.1977T>C, p.Ala659= (NM_001407806.1, NM_001407809.1); c.1974T>C, p.Ala658= (NM_001407807.1, NM_001407810.1); c.1944T>C, p.Ala648= (NM_001407811.1, NM_001407813.1); c.1761T>C, p.Ala587= (NM_001407830.1, NM_001407832.1); c.1662T>C, p.Ala554= (NM_001407831.1, NM_001407833.1, NM_001407835.1 and 1 more transcripts); c.1653T>C, p.Ala551= (NM_001407834.1).
Identifiers: ClinVar variation 4989822 (VCV004989822.1).